The following is an entry in ClinVar:

NM_001267550.2(TTN):c.86377A>G (p.Thr28793Ala)

Genes: TTN (titin; minus strand), TTN-AS1 (TTN antisense RNA 1; plus strand). Cytogenetic location: 2q31.2.
Variant type: single nucleotide variant.
Coding change: c.86377A>G on transcript NM_001267550.2 (MANE Select); coding-DNA position 86377, A replaced by G.
Protein change: p.Thr28793Ala; replaces threonine 28793 with alanine.
Molecular consequence: missense variant.
Genome position (GRCh38, 1-based): chr2:178,559,755, T>C on the plus strand (A>G on the coding strand, the complement: TTN is on the minus strand). VCF-style: chr2-178559755-T-C. GRCh37 (hg19) VCF-style: chr2-179424482-T-C.
Other names: c.78673A>G, p.Thr26225Ala (NM_133378.4); c.81454A>G, p.Thr27152Ala (NM_001256850.1); c.59182A>G, p.Thr19728Ala (NM_003319.4); c.59557A>G, p.Thr19853Ala (NM_133432.3); c.59758A>G, p.Thr19920Ala (NM_133437.4); short protein forms T26225A, T28793A, T19728A, T19920A, T19853A, T27152A.
Identifiers: ClinVar variation 179940 (VCV000179940.7), dbSNP rs727505234, ClinGen allele CA185471.
Genomic context (GRCh38, chr2:178,559,755, plus strand): 5'-CAATGGTCAGTGATGTACGAGAGTCTGTGGTATCAACATAAGCTCTAGTACGGAGGTCAG[T>C]GTCTGGCTTACTCCACAAGACATTGGGTACTGGTCTTCCTCGGAAAGGCACAGTCATGGT-3'
Protein context (NP_001254479.2, residues 28783-28803): VPNVLWSKPD[Thr28793Ala]DLRTRAYVDT

ClinVar aggregate classification (germline): Uncertain significance. Review status: criteria provided, multiple submitters, no conflicts (2 of 4 stars). 2 submissions from 2 submitters: Uncertain significance (2). Last evaluated 2017-11-28.

Conditions:
Dilated cardiomyopathy 1G (CMD1G). Identifiers: Orphanet 154, MedGen C1858763, MONDO:0011400, OMIM 604145.
Autosomal recessive limb-girdle muscular dystrophy type 2J (LGMDR10). Also called: Limb-girdle muscular dystrophy, type 2J; MUSCULAR DYSTROPHY, LIMB-GIRDLE, AUTOSOMAL RECESSIVE 10. Identifiers: Orphanet 140922, MedGen C1837342, MONDO:0012127, OMIM 608807.

Allele frequency attached by ClinVar (database versions not stated): TOPMed below 0.00001; gnomAD 0.00001; gnomAD exomes 0.00001.
gnomAD v4.1: 9 of 1,599,476 alleles (0.00056%); highest among the groups gnomAD compares: Non-Finnish European, 0.00068%; no homozygotes.

Submissions (2):

Labcorp Genetics (formerly Invitae), Labcorp
Classification: Uncertain significance for Dilated cardiomyopathy 1G; Autosomal recessive limb-girdle muscular dystrophy type 2J. Last evaluated: 2017-11-28. Review status: criteria provided, single submitter. Criteria: Invitae Variant Classification Sherloc (09022015). Collection method: clinical testing. Allele origin: germline.

Laboratory for Molecular Medicine, Mass General Brigham Personalized Medicine
Classification: Uncertain significance. Last evaluated: 2014-08-13. Review status: criteria provided, single submitter. Criteria: LMM Criteria. Collection method: clinical testing. Allele origin: germline. Observed: 2 variant alleles.
Comment: The Thr26225Ala variant in TTN has not been previously reported in individuals w ith cardiomyopathy or in large population studies. Computational prediction tool s and conservation analysis do not provide strong support for or against an impa ct to the protein. In summary, the clinical significance of the Thr26225Ala vari ant is uncertain.